The following is an entry in ClinVar:

NM_001378454.1(ALMS1):c.4204A>G (p.Thr1402Ala)

Gene: ALMS1 (ALMS1 centrosome and basal body associated protein; plus strand). Cytogenetic location: 2p13.1.
Variant type: single nucleotide variant.
Coding change: c.4204A>G on transcript NM_001378454.1 (MANE Select); coding-DNA position 4204, A replaced by G.
Protein change: p.Thr1402Ala; replaces threonine 1402 with alanine.
Molecular consequence: missense variant.
Genome position (GRCh38, 1-based): chr2:73,450,731, A>G. VCF-style: chr2-73450731-A-G. GRCh37 (hg19) VCF-style: chr2-73677858-A-G.
Other names: c.4207A>G, p.Thr1403Ala (NM_015120.4); short protein forms T1403A, T1402A.
Identifiers: ClinVar variation 240995 (VCV000240995.19), dbSNP rs199649563, ClinGen allele CA1713659.
Genomic context (GRCh38, chr2:73,450,731, plus strand): 5'-TCACAACATACAGAGAAGCCGAGTATTTTCTACCAACAGTCGTTGCCAGGTAGTCATCTA[A>G]CTGAAGAGGCTAAGAACGTTTCAGCGGTTCCTGGACCAGGTGACCGGAAGACTGGGATAC-3'
Protein context (NP_001365383.1, residues 1392-1412): YQQSLPGSHL[Thr1402Ala]EEAKNVSAVP

ClinVar aggregate classification (germline): Conflicting classifications of pathogenicity. Review status: criteria provided, conflicting classifications (1 of 4 stars). 7 submissions from 7 submitters: Uncertain significance (4); Likely benign (1). 2 of the submissions do not count toward it. Last evaluated 2025-05-15.

Conditions:
Cardiovascular phenotype. Identifiers: MedGen CN230736.
Retinal dystrophy. Also called: Inherited retinal dystrophy. Identifiers: Orphanet 71862, MedGen C0854723, MeSH D058499, MONDO:0019118, HP:0000556.
Alstrom syndrome (ALMS). Identifiers: Orphanet 64, MedGen C0268425, MONDO:0008763, OMIM 203800.

Allele frequency attached by ClinVar (database versions not stated): ESP Exome Variant Server 0.00008; gnomAD exomes 0.00010 and 0.00021; gnomAD 0.00012 and 0.00016; 1000 Genomes Project 0.00020; ExAC 0.00020; 1000 Genomes Project 30x 0.00031.
gnomAD v4.1: 169 of 1,612,388 alleles (0.01%); highest among the groups gnomAD compares: Middle Eastern, 0.25%; 2 homozygotes.

Submissions (7):

GeneDx
Classification: Uncertain significance. Last evaluated: 2025-05-15. Review status: criteria provided, single submitter. Criteria: GeneDx Variant Classification Process June 2021. Collection method: clinical testing. Allele origin: germline. Affected: yes.
Comment: In silico analysis suggests that this missense variant does not alter protein structure/function; Has not been previously published as pathogenic or benign to our knowledge

Ambry Genetics
Classification: Likely benign for Cardiovascular phenotype. Last evaluated: 2025-03-17. Review status: criteria provided, single submitter. Criteria: Ambry Variant Classification Scheme 2023. Collection method: clinical testing. Allele origin: germline.

Labcorp Genetics (formerly Invitae), Labcorp
Classification: Uncertain significance for Alstrom syndrome. Last evaluated: 2022-10-17. Review status: criteria provided, single submitter. Criteria: Invitae Variant Classification Sherloc (09022015). Collection method: clinical testing. Allele origin: germline.
Comment: This sequence change replaces threonine, which is neutral and polar, with alanine, which is neutral and non-polar, at codon 1403 of the ALMS1 protein (p.Thr1403Ala). This variant is present in population databases (rs199649563, gnomAD 0.06%). This variant has not been reported in the literature in individuals affected with ALMS1-related conditions. ClinVar contains an entry for this variant (Variation ID: 240995). Algorithms developed to predict the effect of missense changes on protein structure and function output the following: SIFT: "Not Available"; PolyPhen-2: "Not Available"; Align-GVGD: "Not Available". The alanine amino acid residue is found in multiple mammalian species, which suggests that this missense change does not adversely affect protein function. In summary, the available evidence is currently insufficient to determine the role of this variant in disease. Therefore, it has been classified as a Variant of Uncertain Significance.

Genome-Nilou Lab
Classification: Uncertain significance for Alstrom syndrome. Last evaluated: 2021-05-18. Review status: criteria provided, single submitter. Criteria: ACMG Guidelines, 2015. Collection method: clinical testing. Allele origin: germline. Affected: no.

Breakthrough Genomics
Classification: Uncertain significance. Review status: criteria provided, single submitter. Criteria: ACMG Guidelines, 2015. Collection method: not provided. Allele origin: germline. Inheritance: Autosomal recessive inheritance. Affected: yes.

Institute of Human Genetics, Univ. Regensburg, Univ. Regensburg
Classification: Uncertain significance for Retinal dystrophy. Last evaluated: 2022-01-01. Review status: no assertion criteria provided. Criteria: ACMG Guidelines, 2015. Collection method: clinical testing. Allele origin: germline. Affected: yes. Not counted in ClinVar's aggregate classification.

Natera, Inc.
Classification: Likely benign for Alstrom syndrome. Last evaluated: 2020-01-01. Review status: no assertion criteria provided. Collection method: clinical testing. Allele origin: germline. Not counted in ClinVar's aggregate classification.